The following is an entry in ClinVar:

NM_001378418.1(TCF20):c.1141A>G (p.Ser381Gly)

Gene: TCF20 (transcription factor 20; minus strand). Cytogenetic location: 22q13.2.
Variant type: single nucleotide variant.
Coding change: c.1141A>G on transcript NM_001378418.1 (MANE Select); coding-DNA position 1141, A replaced by G.
Protein change: p.Ser381Gly; replaces serine 381 with glycine.
Molecular consequence: missense variant.
Genome position (GRCh38, 1-based): chr22:42,214,165, T>C on the plus strand (A>G on the coding strand, the complement: TCF20 is on the minus strand). VCF-style: chr22-42214165-T-C. GRCh37 (hg19) VCF-style: chr22-42610171-T-C.
Other names: c.1141A>G, p.Ser381Gly (NM_005650.4, NM_181492.3); short protein forms S381G.
Identifiers: ClinVar variation 2629707 (VCV002629707.2), dbSNP rs2518239155, ClinGen allele CA411791465.

ClinVar aggregate classification (germline): Uncertain significance (1 of 4 stars; one submission).

Conditions:
TCF20-related disorder. Also called: TCF20-related condition.

Submission:

PreventionGenetics, part of Exact Sciences
Classification: Uncertain significance for TCF20-related condition. Last evaluated: 2026-01-02. Review status: criteria provided, single submitter. Criteria: ACMG Guidelines, 2015. Collection method: clinical testing. Allele origin: germline.
Comment: The TCF20 c.1141A>G variant is predicted to result in the amino acid substitution p.Ser381Gly. To our knowledge, this variant has not been reported in the literature or in a large population database (gnomAD), indicating this variant is rare. At this time, the clinical significance of this variant is uncertain due to the absence of conclusive functional and genetic evidence.